The following is an entry in ClinVar:

NM_000051.4(ATM):c.1362T>A (p.Tyr454Ter)

Gene: ATM (ATM serine/threonine kinase; plus strand). Cytogenetic location: 11q22.3.
Variant type: single nucleotide variant.
Coding change: c.1362T>A on transcript NM_000051.4 (MANE Select); coding-DNA position 1362, T replaced by A.
Protein change: p.Tyr454Ter; replaces tyrosine 454 with a stop codon.
Molecular consequence: nonsense.
Genome position (GRCh38, 1-based): chr11:108,250,827, T>A. VCF-style: chr11-108250827-T-A. GRCh37 (hg19) VCF-style: chr11-108121554-T-A.
Other names: c.1362T>A, p.Tyr454Ter (NM_001351834.2); short protein forms Y454*.
Identifiers: ClinVar variation 2133239 (VCV002133239.4), dbSNP rs1373614735, ClinGen allele CA382533805.
Genomic context (GRCh38, chr11:108,250,827, plus strand): 5'-ATTACTGATGATACTATCTCAGCTTCTACCCCAACAGCGACATGGGGAACGTACACCATA[T>A]GTGTTACGATGCCTTACGGAAGTTGCATTGTGTCAAGACAAGAGGTCAAACCTAGAAAGC-3'

ClinVar aggregate classification (germline): Pathogenic (1 of 4 stars; one submission).

Conditions:
Ataxia-telangiectasia syndrome (AT). Also called: Cerebello-oculocutaneous telangiectasia; Immunodeficiency with ataxia telangiectasia; Ataxia-telangiectasia, complementation group D; Ataxia telangiectasia (A-T); ATAXIA-TELANGIECTASIA, COMPLEMENTATION GROUP A; ATAXIA-TELANGIECTASIA, FRESNO VARIANT. Identifiers: Orphanet 100, MedGen C0004135, MONDO:0008840, OMIM 208900.

Submission:

Labcorp Genetics (formerly Invitae), Labcorp
Classification: Pathogenic for Ataxia-telangiectasia syndrome. Last evaluated: 2022-05-03. Review status: criteria provided, single submitter. Criteria: Invitae Variant Classification Sherloc (09022015). Collection method: clinical testing. Allele origin: germline.
Comment: This sequence change creates a premature translational stop signal (p.Tyr454*) in the ATM gene. It is expected to result in an absent or disrupted protein product. Loss-of-function variants in ATM are known to be pathogenic (PMID: 23807571, 25614872). For these reasons, this variant has been classified as Pathogenic. This variant has not been reported in the literature in individuals affected with ATM-related conditions. This variant is not present in population databases (gnomAD no frequency).

Literature cited by the submitters: PubMed 23807571; PubMed 25614872.